The following is an entry in ClinVar:

NM_017654.4(SAMD9):c.239A>G (p.Glu80Gly)

Gene: SAMD9 (sterile alpha motif domain containing 9; minus strand). Cytogenetic location: 7q21.2.
Variant type: single nucleotide variant.
Coding change: c.239A>G on transcript NM_017654.4 (MANE Select); coding-DNA position 239, A replaced by G.
Protein change: p.Glu80Gly; replaces glutamic acid 80 with glycine.
Molecular consequence: missense variant.
Genome position (GRCh38, 1-based): chr7:93,105,859, T>C on the plus strand (A>G on the coding strand, the complement: SAMD9 is on the minus strand). VCF-style: chr7-93105859-T-C. GRCh37 (hg19) VCF-style: chr7-92735172-T-C.
Other names: c.239A>G, p.Glu80Gly (NM_001193307.2); short protein forms E80G.
Identifiers: ClinVar variation 3791921 (VCV003791921.2).

ClinVar aggregate classification (germline): Uncertain significance. Review status: criteria provided, multiple submitters, no conflicts (2 of 4 stars). 2 submissions from 2 submitters: Uncertain significance (2). Last evaluated 2024-12-27.

Conditions:
Inborn genetic diseases. Identifiers: MedGen C0950123, MeSH D030342.

Submissions (2):

GeneDx
Classification: Uncertain significance. Last evaluated: 2024-12-27. Review status: criteria provided, single submitter. Criteria: GeneDx Variant Classification Process June 2021. Collection method: clinical testing. Allele origin: germline. Affected: yes.
Comment: Not observed at significant frequency in large population cohorts (gnomAD); In silico analysis indicates that this missense variant does not alter protein structure/function; Has not been previously published as pathogenic or benign to our knowledge

Ambry Genetics
Classification: Uncertain significance for Inborn genetic diseases. Last evaluated: 2024-12-16. Review status: criteria provided, single submitter. Criteria: Ambry Variant Classification Scheme 2023. Collection method: clinical testing. Allele origin: germline.
Comment: The p.E80G variant (also known as c.239A>G), located in coding exon 1 of the SAMD9 gene, results from an A to G substitution at nucleotide position 239. The glutamic acid at codon 80 is replaced by glycine, an amino acid with similar properties. This amino acid position is conserved. In addition, this alteration is predicted to be tolerated by in silico analysis. Based on the available evidence, the clinical significance of this variant remains unclear.